The following is an entry in ClinVar:

ClinVar aggregate classification (germline): Uncertain significance (1 of 4 stars; one submission).

Conditions:
Thrombocytopenia 2 (THC2). Also called: ANKRD26-Related Thrombocytopenia. Identifiers: Orphanet 268322, MedGen C1861185, MONDO:0008555, OMIM 188000.

Allele frequency attached by ClinVar (database versions not stated): TOPMed below 0.00001.
gnomAD v4.1: 2 of 1,611,032 alleles (0.00012%); highest among the groups gnomAD compares: Non-Finnish European, 0.00017%; no homozygotes.

Submission:

St. Jude Molecular Pathology, St. Jude Children's Research Hospital
Classification: Uncertain significance for Thrombocytopenia 2. Last evaluated: 2022-01-27. Review status: criteria provided, single submitter. Criteria: St. Jude Assertion Criteria 2020. Collection method: clinical testing. Allele origin: germline.
Comment: The ANKRD26 c.3692C>G (p.Thr1231Ser) missense change has a maximum subpopulation frequency of 0.00088% in gnomAD v2.1.1 (PM2_Supporitng ). This variant is not located in the 5’ UTR. Seven of seven in silico tools predict a benign effect of this variant on protein function (BP4), but these predictions have not been confirmed by functional studies. To our knowledge, this variant has not been reported in individuals with ANKRD26-related thrombocytopenia. In summary, this variant meets criteria to be classified as of uncertain significance based on the ACMG/AMP criteria: BP4.

NM_014915.3(ANKRD26):c.3692C>G (p.Thr1231Ser)

Gene: ANKRD26 (ankyrin repeat domain 26; minus strand). Cytogenetic location: 10p12.1.
Variant type: single nucleotide variant.
Coding change: c.3692C>G on transcript NM_014915.3 (MANE Select); coding-DNA position 3692, C replaced by G.
Protein change: p.Thr1231Ser; replaces threonine 1231 with serine.
Molecular consequence: missense variant.
Genome position (GRCh38, 1-based): chr10:27,033,340, G>C on the plus strand (C>G on the coding strand, the complement: ANKRD26 is on the minus strand). VCF-style: chr10-27033340-G-C. GRCh37 (hg19) VCF-style: chr10-27322269-G-C.
Other names: c.3689C>G, p.Thr1230Ser (NM_001256053.2); short protein forms T1230S, T1231S.
Identifiers: ClinVar variation 1691524 (VCV001691524.4), dbSNP rs751964173, ClinGen allele CA376361159.